The following is an entry in ClinVar:

NM_006231.4(POLE):c.2246G>C (p.Arg749Pro)

Gene: POLE (DNA polymerase epsilon, catalytic subunit; minus strand). Cytogenetic location: 12q24.33.
Variant type: single nucleotide variant.
Coding change: c.2246G>C on transcript NM_006231.4 (MANE Select); coding-DNA position 2246, G replaced by C.
Protein change: p.Arg749Pro; replaces arginine 749 with proline.
Molecular consequence: missense variant.
Genome position (GRCh38, 1-based): chr12:132,667,576, C>G on the plus strand (G>C on the coding strand, the complement: POLE is on the minus strand). VCF-style: chr12-132667576-C-G. GRCh37 (hg19) VCF-style: chr12-133244162-C-G.
Other names: short protein forms R749P.
Identifiers: ClinVar variation 2562942 (VCV002562942.2), dbSNP rs1010159851, ClinGen allele CA387352222.

ClinVar aggregate classification (germline): Uncertain significance (1 of 4 stars; one submission).

Conditions:
Hereditary cancer-predisposing syndrome. Also called: Neoplastic Syndromes, Hereditary; Hereditary Cancer Syndrome; Hereditary neoplastic syndrome; Tumor predisposition. Identifiers: Orphanet 140162, MedGen C0027672, MeSH D009386, MONDO:0015356.

Submission:

Ambry Genetics
Classification: Uncertain significance for Hereditary cancer-predisposing syndrome. Last evaluated: 2023-05-23. Review status: criteria provided, single submitter. Criteria: Ambry Variant Classification Scheme 2023. Collection method: clinical testing. Allele origin: germline.
Comment: The p.R749P variant (also known as c.2246G>C), located in coding exon 20 of the POLE gene, results from a G to C substitution at nucleotide position 2246. The arginine at codon 749 is replaced by proline, an amino acid with dissimilar properties. This amino acid position is conserved. In addition, the in silico prediction for this alteration is inconclusive. Since supporting evidence is limited at this time, the clinical significance of this alteration remains unclear.